The following is an entry in ClinVar:

ClinVar aggregate classification (germline): Uncertain significance (1 of 4 stars; one submission).

Conditions:
Dilated cardiomyopathy 1W (CMD1W). Identifiers: Orphanet 154, MedGen C1969639, MONDO:0012667, OMIM 611407.

Submission:

Labcorp Genetics (formerly Invitae), Labcorp
Classification: Uncertain significance for Dilated cardiomyopathy 1W. Last evaluated: 2024-07-22. Review status: criteria provided, single submitter. Criteria: Invitae Variant Classification Sherloc (09022015). Collection method: clinical testing. Allele origin: germline.
Comment: This sequence change replaces glycine, which is neutral and non-polar, with glutamic acid, which is acidic and polar, at codon 564 of the VCL protein (p.Gly564Glu). This variant is not present in population databases (gnomAD no frequency). This variant has not been reported in the literature in individuals affected with VCL-related conditions. An algorithm developed to predict the effect of missense changes on protein structure and function (PolyPhen-2) suggests that this variant is likely to be disruptive. In summary, the available evidence is currently insufficient to determine the role of this variant in disease. Therefore, it has been classified as a Variant of Uncertain Significance.

NM_014000.3(VCL):c.1691G>A (p.Gly564Glu)

Gene: VCL (vinculin; plus strand). Cytogenetic location: 10q22.2.
Variant type: single nucleotide variant.
Coding change: c.1691G>A on transcript NM_014000.3 (MANE Select); coding-DNA position 1691, G replaced by A.
Protein change: p.Gly564Glu; replaces glycine 564 with glutamic acid.
Molecular consequence: missense variant.
Genome position (GRCh38, 1-based): chr10:74,095,803, G>A. VCF-style: chr10-74095803-G-A. GRCh37 (hg19) VCF-style: chr10-75855561-G-A.
Other names: c.1691G>A, p.Gly564Glu (NM_003373.4); short protein forms G564E.
Identifiers: ClinVar variation 3653985 (VCV003653985.2).